The following is an entry in ClinVar:

NM_000535.7(PMS2):c.250+2T>G

Gene: PMS2 (PMS1 homolog 2, mismatch repair system component; minus strand). Cytogenetic location: 7p22.1.
Variant type: single nucleotide variant.
Coding change: c.250+2T>G on transcript NM_000535.7 (MANE Select); the canonical splice donor site of the intron after coding-DNA position 250, T replaced by G.
Molecular consequence: splice donor variant. On other transcripts: intron variant (1).
Genome position (GRCh38, 1-based): chr7:6,003,970, A>C on the plus strand (T>G on the coding strand, the complement: PMS2 is on the minus strand). VCF-style: chr7-6003970-A-C. GRCh37 (hg19) VCF-style: chr7-6043601-A-C.
Other names: c.35+2T>G (NM_001322008.2, NM_001406902.1, NM_001406883.1 and 4 more transcripts); c.-132+2T>G (NM_001406881.1, NM_001406900.1); c.-103+2T>G (NM_001406895.1, NM_001406904.1, NM_001406889.1 and 6 more transcripts); c.-156+2T>G (NM_001406911.1, NM_001322010.2, NM_001322004.2 and 13 more transcripts); c.-235+2T>G (NM_001406879.1, NM_001322015.2, NM_001406878.1 and 3 more transcripts); c.-635+2T>G (NM_001322012.2, NM_001322011.2); c.-52-1334T>G (NM_001406896.1); c.250+2T>G (NM_001406885.1, NM_001406886.1, NM_001406884.1 and 10 more transcripts); and 3 more.
Identifiers: ClinVar variation 1792245 (VCV001792245.2), dbSNP rs766865355, ClinGen allele CA048480.
Genomic context (GRCh38, chr7:6,003,970, plus strand): 5'-CTCAAAATTCTGAGACATGTGACCCAATTATTTTATAATAGGATTAGAAAAAGTCAACTT[A>C]CTTAAGCCTTCGAAGTTTTCTTCTTCTACCCCACATCCATTGTCTGAAACTTCAATAAGA-3'

ClinVar aggregate classification (germline): Likely pathogenic (1 of 4 stars; one submission).

Conditions:
Hereditary cancer-predisposing syndrome. Also called: Hereditary Cancer Syndrome; Hereditary neoplastic syndrome; Tumor predisposition; Neoplastic Syndromes, Hereditary. Identifiers: Orphanet 140162, MedGen C0027672, MeSH D009386, MONDO:0015356.

Allele frequency attached by ClinVar (database versions not stated): gnomAD exomes below 0.00001; ExAC 0.00001.
gnomAD v4.1: 1 of 1,576,374 alleles (0.000063%); highest among the groups gnomAD compares: Non-Finnish European, 0.000087%; no homozygotes.

Submission:

Ambry Genetics
Classification: Likely pathogenic for Hereditary cancer-predisposing syndrome. Last evaluated: 2019-05-17. Review status: criteria provided, single submitter. Criteria: Ambry Variant Classification Scheme 2023. Collection method: clinical testing. Allele origin: germline.
Comment: The c.250+2T>G intronic variant results from a T to G substitution two nucleotides after coding exon 3 in the PMS2 gene. This nucleotide position is highly conserved in available vertebrate species. Using the BDGP and ESEfinder splice site prediction tools, this alteration is predicted to abolish the native splice donor site; however, direct evidence is unavailable. Alterations that disrupt the canonical splice site are expected to cause aberrant splicing, resulting in an abnormal protein or a transcript that is subject to nonsense-mediated mRNA decay. As such, this alteration is classified as likely pathogenic.